The following is an entry in ClinVar:

NM_198239.2(CCN6):c.48+229G>A

Gene: CCN6 (cellular communication network factor 6; plus strand). Cytogenetic location: 6q21.
Variant type: single nucleotide variant.
Coding change: c.48+229G>A on transcript NM_198239.2 (MANE Select); 229 bases into the intron after coding-DNA position 48, G replaced by A.
Molecular consequence: intron variant.
Genome position (GRCh38, 1-based): chr6:112,054,634, G>A. VCF-style: chr6-112054634-G-A. GRCh37 (hg19) VCF-style: chr6-112375837-G-A.
Other names: c.48+229G>A (NM_003880.4).
Identifiers: ClinVar variation 1335640 (VCV001335640.36), dbSNP rs76664940, ClinGen allele CA144878910.
Genomic context (GRCh38, chr6:112,054,634, plus strand): 5'-TTCGTTCATGAGCTTCATGAAAGAAATGTAAAACATTTCTCCCTTTCAGGTAATGGCACC[G>A]AAGCCTCCTTTCGCTATGTTTGAACAGCGCCACGCTTTCCTATATATTTTTATAGCAGAG-3'

ClinVar aggregate classification (germline): Likely benign. Review status: criteria provided, multiple submitters, no conflicts (2 of 4 stars). 2 submissions from 2 submitters: Likely benign (2). Last evaluated 2026-02-01.

Allele frequency attached by ClinVar (database versions not stated): 1000 Genomes Project 0.00499; 1000 Genomes Project 30x 0.00547; TOPMed 0.00659; gnomAD 0.00721 and 0.00741; gnomAD exomes 0.00830.

Submissions (2):

CeGaT Center for Human Genetics Tuebingen
Classification: Likely benign. Last evaluated: 2026-02-01. Review status: criteria provided, single submitter. Criteria: CeGaT Center For Human Genetics Tuebingen Variant Classification Criteria Version 2. Collection method: clinical testing. Allele origin: germline. Affected: yes. Observed: 11 variant alleles.
Comment: CCN6: BP4, BP7, BS2

Breakthrough Genomics
Classification: Likely benign. Review status: criteria provided, single submitter. Criteria: ACMG Guidelines, 2015. Collection method: not provided. Allele origin: germline. Inheritance: Autosomal recessive inheritance. Affected: yes.